The following is an entry in ClinVar:

ClinVar aggregate classification (germline): Uncertain significance (1 of 4 stars; one submission).

gnomAD v4.1: 4 of 1,611,404 alleles (0.00025%); highest among the groups gnomAD compares: African/African-American, 0.004%; no homozygotes.

Submission:

Ambry Genetics
Classification: Uncertain significance. Last evaluated: 2025-12-15. Review status: criteria provided, single submitter. Criteria: Ambry Variant Classification Scheme 2023. Collection method: clinical testing. Allele origin: germline.
Comment: The c.295C>A (p.R99S) alteration is located in exon 1 (coding exon 1) of the KIR3DL2 gene. This alteration results from a C to A substitution at nucleotide position 295, causing the arginine (R) at amino acid position 99 to be replaced by a serine (S). Based on data from gnomAD, the A allele has an overall frequency of 0.001% (2/232088) total alleles studied. The highest observed frequency was 0.006% (1/15708) of African alleles. Based on insufficient or conflicting evidence, the clinical significance of this alteration remains unclear.

NM_006737.4(KIR3DL2):c.295C>A (p.Arg99Ser)

Gene: KIR3DL2 (killer cell immunoglobulin like receptor, three Ig domains and long cytoplasmic tail 2). Cytogenetic location: 19q13.42.
Variant type: single nucleotide variant.
Coding change: c.295C>A on transcript NM_006737.4 (MANE Select); coding-DNA position 295, C replaced by A.
Protein change: p.Arg99Ser; replaces arginine 99 with serine.
Molecular consequence: missense variant.
Genome position (GRCh38, 1-based): chr19:54,852,222, C>A. VCF-style: chr19-54852222-C-A. GRCh37 (hg19) VCF-style: chr19-55363677-C-A.
Other names: c.295C>A, p.Arg99Ser (NM_001242867.2); short protein forms R99S.
Identifiers: ClinVar variation 4830824 (VCV004830824.1).
Genomic context (GRCh38, chr19:54,852,222, plus strand): 5'-AGCTTCATCATGGGCCCTGTGACCCCAGCACATGCAGGGACCTACAGATGTCGGGGTTCA[C>A]GCCCACACTCCCTCACTGGGTGGTCGGCACCCAGCAACCCCCTGGTGATCATGGTCACAG-3'
Protein context (NP_006728.2, residues 89-109): HAGTYRCRGS[Arg99Ser]PHSLTGWSAP